The following is an entry in ClinVar:

ClinVar aggregate classification (germline): Uncertain significance (1 of 4 stars; one submission).

Conditions:
Dihydropyrimidinase deficiency (DPYSD). Also called: dihydropyrimidinuria; DPH DEFICIENCY; DPYS DEFICIENCY. Identifiers: Orphanet 38874, MedGen C0342803, MONDO:0009111, OMIM 222748.

Submission:

Juno Genomics, Hangzhou Juno Genomics, Inc
Classification: Uncertain significance for Dihydropyrimidinase deficiency. Review status: criteria provided, single submitter. Criteria: ACMG Guidelines, 2015. Collection method: clinical testing. Allele origin: germline.
Comment: Absent from controls (or at extremely low frequency if recessive) in Genome Aggregation Database.;Multiple lines of computational evidence support a deleterious effect on the gene or gene product.

NM_001385.3(DPYS):c.1049A>G (p.Asn350Ser)

Gene: DPYS (dihydropyrimidinase; minus strand). Cytogenetic location: 8q22.3.
Variant type: single nucleotide variant.
Coding change: c.1049A>G on transcript NM_001385.3 (MANE Select); coding-DNA position 1049, A replaced by G.
Protein change: p.Asn350Ser; replaces asparagine 350 with serine.
Molecular consequence: missense variant.
Genome position (GRCh38, 1-based): chr8:104,428,023, T>C on the plus strand (A>G on the coding strand, the complement: DPYS is on the minus strand). VCF-style: chr8-104428023-T-C. GRCh37 (hg19) VCF-style: chr8-105440251-T-C.
Other names: short protein forms N350S.
Identifiers: ClinVar variation 5007261 (VCV005007261.2).